The following is an entry in ClinVar:

NM_025179.4(PLXNA2):c.1613C>T (p.Ser538Phe)

Gene: PLXNA2 (plexin A2; minus strand). Cytogenetic location: 1q32.2.
Variant type: single nucleotide variant.
Coding change: c.1613C>T on transcript NM_025179.4 (MANE Select); coding-DNA position 1613, C replaced by T.
Protein change: p.Ser538Phe; replaces serine 538 with phenylalanine.
Molecular consequence: missense variant.
Genome position (GRCh38, 1-based): chr1:208,098,964, G>A on the plus strand (C>T on the coding strand, the complement: PLXNA2 is on the minus strand). VCF-style: chr1-208098964-G-A. GRCh37 (hg19) VCF-style: chr1-208272309-G-A.
Other names: short protein forms S538F.
Identifiers: ClinVar variation 3215537 (VCV003215537.2), dbSNP rs756541044, ClinGen allele CA1373773.

ClinVar aggregate classification (germline): Uncertain significance. Review status: criteria provided, single submitter (1 of 4 stars). 2 submissions from 2 submitters: Uncertain significance (1). 1 of the submissions does not count toward it. Last evaluated 2023-12-15.

Conditions:
PLXNA2-related disorder. Also called: PLXNA2-related condition.

Allele frequency attached by ClinVar (database versions not stated): TOPMed 0.00001; ExAC 0.00002.
gnomAD v4.1: 7 of 1,611,590 alleles (0.00043%); highest among the groups gnomAD compares: Admixed American, 0.0017%; no homozygotes.

Submissions (2):

Ambry Genetics
Classification: Uncertain significance. Last evaluated: 2023-12-15. Review status: criteria provided, single submitter. Criteria: Ambry Variant Classification Scheme 2023. Collection method: clinical testing. Allele origin: germline.

PreventionGenetics, part of Exact Sciences
Classification: Uncertain significance for PLXNA2-related condition. Last evaluated: 2024-09-03. Review status: no assertion criteria provided. Collection method: clinical testing. Allele origin: germline. Not counted in ClinVar's aggregate classification.
Comment: The PLXNA2 c.1613C>T variant is predicted to result in the amino acid substitution p.Ser538Phe. To our knowledge, this variant has not been reported in the literature or in a large population database, indicating this variant is rare. At this time, the clinical significance of this variant is uncertain due to the absence of conclusive functional and genetic evidence.